The following is an entry in ClinVar:

NM_001372.4(DNAH9):c.11535G>C (p.Lys3845Asn)

Gene: DNAH9 (dynein axonemal heavy chain 9; plus strand). Cytogenetic location: 17p12.
Variant type: single nucleotide variant.
Coding change: c.11535G>C on transcript NM_001372.4 (MANE Select); coding-DNA position 11535, G replaced by C.
Protein change: p.Lys3845Asn; replaces lysine 3845 with asparagine.
Molecular consequence: missense variant.
Genome position (GRCh38, 1-based): chr17:11,902,847, G>C. VCF-style: chr17-11902847-G-C. GRCh37 (hg19) VCF-style: chr17-11806164-G-C.
Other names: p.Lys3845Asn; c.471G>C, p.Lys157Asn (NM_004662.2); short protein forms K157N, K3845N.
Identifiers: ClinVar variation 2044040 (VCV002044040.6), dbSNP rs200977350, ClinGen allele CA8397861.

ClinVar aggregate classification (germline): Uncertain significance. Review status: criteria provided, multiple submitters, no conflicts (2 of 4 stars). 5 submissions from 5 submitters: Uncertain significance (5). Last evaluated 2026-01-22.

Conditions:
Ciliary dyskinesia, primary, 40. Also called: CILIARY DYSKINESIA, PRIMARY, 40, WITH OR WITHOUT SITUS INVERSUS. Identifiers: MedGen C4749028, MONDO:0032664, OMIM 618300.
Inborn genetic diseases. Identifiers: MedGen C0950123, MeSH D030342.

Allele frequency attached by ClinVar (database versions not stated): 1000 Genomes Project 30x 0.00016; 1000 Genomes Project 0.00020; ESP Exome Variant Server 0.00023; TOPMed 0.00033; gnomAD 0.00035.
gnomAD v4.1: 887 of 1,613,980 alleles (0.055%); highest among the groups gnomAD compares: Non-Finnish European, 0.07%; no homozygotes.

Submissions (5):

Labcorp Genetics (formerly Invitae), Labcorp
Classification: Uncertain significance. Last evaluated: 2026-01-22. Review status: criteria provided, single submitter. Criteria: Invitae Variant Classification Sherloc (09022015). Collection method: clinical testing. Allele origin: germline.
Comment: This sequence change replaces lysine, which is basic and polar, with asparagine, which is neutral and polar, at codon 3845 of the DNAH9 protein (p.Lys3845Asn). This variant is present in population databases (rs200977350, gnomAD 0.05%). This variant has not been reported in the literature in individuals affected with DNAH9-related conditions. ClinVar contains an entry for this variant (Variation ID: 2044040). Invitae Evidence Modeling of protein sequence and biophysical properties (such as structural, functional, and spatial information, amino acid conservation, physicochemical variation, residue mobility, and thermodynamic stability) indicates that this missense variant is not expected to disrupt DNAH9 protein function with a negative predictive value of 80%. In summary, the available evidence is currently insufficient to determine the role of this variant in disease. Therefore, it has been classified as a Variant of Uncertain Significance.

Mayo Clinic Laboratories, Mayo Clinic
Classification: Uncertain significance. Last evaluated: 2025-09-23. Review status: criteria provided, single submitter. Criteria: ACMG Guidelines, 2015. Collection method: clinical testing. Allele origin: germline. Observed: 1 variant allele.
Comment: BP4

Blueprint Genetics
Classification: Uncertain significance. Last evaluated: 2024-11-11. Review status: criteria provided, single submitter. Criteria: ACMG Guidelines, 2015. Collection method: clinical testing. Allele origin: germline.

Fulgent Genetics
Classification: Uncertain significance for Ciliary dyskinesia, primary, 40. Last evaluated: 2024-02-21. Review status: criteria provided, single submitter. Criteria: ACMG Guidelines, 2015. Collection method: clinical testing. Allele origin: germline.

Ambry Genetics
Classification: Uncertain significance for Inborn genetic diseases. Last evaluated: 2021-07-20. Review status: criteria provided, single submitter. Criteria: Ambry Variant Classification Scheme 2023. Collection method: clinical testing. Allele origin: germline.